The following is an entry in ClinVar:

ClinVar aggregate classification (germline): Uncertain significance. Review status: criteria provided, multiple submitters, no conflicts (2 of 4 stars). 2 submissions from 2 submitters: Uncertain significance (2). Last evaluated 2023-06-04.

Submissions (2):

Labcorp Genetics (formerly Invitae), Labcorp
Classification: Uncertain significance. Last evaluated: 2023-06-04. Review status: criteria provided, single submitter. Criteria: Invitae Variant Classification Sherloc (09022015). Collection method: clinical testing. Allele origin: germline.
Comment: This sequence change replaces proline, which is neutral and non-polar, with leucine, which is neutral and non-polar, at codon 77 of the SAMD11 protein (p.Pro77Leu). In summary, the available evidence is currently insufficient to determine the role of this variant in disease. Therefore, it has been classified as a Variant of Uncertain Significance. Algorithms developed to predict the effect of missense changes on protein structure and function output the following: SIFT: "Not Available"; PolyPhen-2: "Benign"; Align-GVGD: "Not Available". The leucine amino acid residue is found in multiple mammalian species, which suggests that this missense change does not adversely affect protein function. ClinVar contains an entry for this variant (Variation ID: 1484446). This variant has not been reported in the literature in individuals affected with SAMD11-related conditions. The frequency data for this variant in the population databases is considered unreliable, as metrics indicate poor data quality at this position in the gnomAD database.

Ambry Genetics
Classification: Uncertain significance. Last evaluated: 2021-08-02. Review status: criteria provided, single submitter. Criteria: Ambry Variant Classification Scheme 2023. Collection method: clinical testing. Allele origin: germline.

NM_001385641.1(SAMD11):c.767C>T (p.Pro256Leu)

Gene: SAMD11 (sterile alpha motif domain containing 11; plus strand). Cytogenetic location: 1p36.33.
Variant type: single nucleotide variant.
Coding change: c.767C>T on transcript NM_001385641.1 (MANE Select); coding-DNA position 767, C replaced by T.
Protein change: p.Pro256Leu; replaces proline 256 with leucine.
Molecular consequence: missense variant.
Genome position (GRCh38, 1-based): chr1:930,312, C>T. VCF-style: chr1-930312-C-T. GRCh37 (hg19) VCF-style: chr1-865692-C-T.
Other names: c.767C>T, p.Pro256Leu (NM_001385640.1); c.230C>T, p.Pro77Leu (NM_152486.4); c.230C>T (NM_152486.2); short protein forms P77L, P256L.
Identifiers: ClinVar variation 1484446 (VCV001484446.9), dbSNP rs539026517, ClinGen allele CA337792630.